The following is an entry in ClinVar:

NM_001042432.2(CLN3):c.592del (p.Ser198fs)

Gene: CLN3 (CLN3 lysosomal/endosomal transmembrane protein, battenin; minus strand). Cytogenetic location: 16p12.1.
Variant type: Deletion.
Coding change: c.592del on transcript NM_001042432.2 (MANE Select); coding-DNA position 592, one base deleted (T; older notation c.592delT).
Protein change: p.Ser198fs; shifts the reading frame from serine 198.
Molecular consequence: frameshift variant.
Genome position (GRCh38, 1-based): chr16:28,486,432, A deleted on the plus strand (T on the coding strand, the reverse complement: CLN3 is on the minus strand). VCF-style (leftmost placement, unchanged base first): chr16-28486431-GA-G. GRCh37 (hg19) VCF-style: chr16-28497752-GA-G.
Other names: c.592del, p.Ser198fs (NM_000086.2); c.520del, p.Ser174fs (NM_001286104.2); c.292del, p.Ser98fs (NM_001286105.2); c.358del, p.Ser120fs (NM_001286109.2); c.430del, p.Ser144fs (NM_001286110.2); short protein forms S120fs, S144fs, S174fs, S198fs, S98fs.
Identifiers: ClinVar variation 1072910 (VCV001072910.7), dbSNP rs2141712336, ClinGen allele CA2499223472.

ClinVar aggregate classification (germline): Pathogenic (1 of 4 stars; one submission).

Conditions:
Neuronal ceroid lipofuscinosis. Also called: Neuronal Ceroid Lipofuscinoses. Identifiers: Orphanet 216, Orphanet 79263, MedGen C0027877, MONDO:0016295. Disease mechanism: loss of function.

Submission:

Labcorp Genetics (formerly Invitae), Labcorp
Classification: Pathogenic for Neuronal ceroid lipofuscinosis. Last evaluated: 2020-03-24. Review status: criteria provided, single submitter. Criteria: Invitae Variant Classification Sherloc (09022015). Collection method: clinical testing. Allele origin: germline.
Comment: This variant has not been reported in the literature in individuals with CLN3-related conditions. This variant is not present in population databases (ExAC no frequency). This sequence change creates a premature translational stop signal (p.Ser198Profs*57) in the CLN3 gene. It is expected to result in an absent or disrupted protein product. For these reasons, this variant has been classified as Pathogenic. Loss-of-function variants in CLN3 are known to be pathogenic (PMID: 9311735, 28542676).

Literature cited by the submitters: PubMed 9311735; PubMed 28542676.